The following is an entry in ClinVar:

NM_002528.7(NTHL1):c.224A>C (p.Lys75Thr)

Gene: NTHL1 (nth like DNA glycosylase 1; minus strand). Cytogenetic location: 16p13.3.
Variant type: single nucleotide variant.
Coding change: c.224A>C on transcript NM_002528.7 (MANE Select); coding-DNA position 224, A replaced by C.
Protein change: p.Lys75Thr; replaces lysine 75 with threonine.
Molecular consequence: missense variant. On other transcripts: intron variant (1).
Genome position (GRCh38, 1-based): chr16:2,046,258, T>G on the plus strand (A>C on the coding strand, the complement: NTHL1 is on the minus strand). VCF-style: chr16-2046258-T-G. GRCh37 (hg19) VCF-style: chr16-2096259-T-G.
Other names: c.224A>C, p.Lys75Thr (NM_001318193.2); c.24+22A>C (NM_001318194.2); c.248A>C (NM_002528.5); short protein forms K75T.
Identifiers: ClinVar variation 947393 (VCV000947393.9), dbSNP rs2084376094, ClinGen allele CA394297378.

ClinVar aggregate classification (germline): Uncertain significance. Review status: criteria provided, multiple submitters, no conflicts (2 of 4 stars). 2 submissions from 2 submitters: Uncertain significance (2). Last evaluated 2025-08-14.

Conditions:
Hereditary cancer-predisposing syndrome. Also called: Hereditary neoplastic syndrome; Neoplastic Syndromes, Hereditary; Tumor predisposition; Hereditary Cancer Syndrome. Identifiers: Orphanet 140162, MedGen C0027672, MeSH D009386, MONDO:0015356.

Submissions (2):

Ambry Genetics
Classification: Uncertain significance for Hereditary cancer-predisposing syndrome. Last evaluated: 2025-08-14. Review status: criteria provided, single submitter. Criteria: Ambry Variant Classification Scheme 2023. Collection method: clinical testing. Allele origin: germline.
Comment: The p.K83T variant (also known as c.248A>C), located in coding exon 2 of the NTHL1 gene, results from an A to C substitution at nucleotide position 248. The lysine at codon 83 is replaced by threonine, an amino acid with similar properties. This amino acid position is conserved. In addition, this alteration is predicted to be tolerated by in silico analysis. Based on the available evidence, the clinical significance of this variant remains unclear.

Labcorp Genetics (formerly Invitae), Labcorp
Classification: Uncertain significance. Last evaluated: 2024-08-01. Review status: criteria provided, single submitter. Criteria: Invitae Variant Classification Sherloc (09022015). Collection method: clinical testing. Allele origin: germline.
Comment: This sequence change replaces lysine, which is basic and polar, with threonine, which is neutral and polar, at codon 83 of the NTHL1 protein (p.Lys83Thr). This variant is not present in population databases (gnomAD no frequency). This variant has not been reported in the literature in individuals affected with NTHL1-related conditions. ClinVar contains an entry for this variant (Variation ID: 947393). An algorithm developed to predict the effect of missense changes on protein structure and function outputs the following: PolyPhen-2: "Benign". The threonine amino acid residue is found in multiple mammalian species, which suggests that this missense change does not adversely affect protein function. In summary, the available evidence is currently insufficient to determine the role of this variant in disease. Therefore, it has been classified as a Variant of Uncertain Significance.